The following continues an entry in ClinVar:

NM_020975.6(RET):c.1853G>C (p.Cys618Ser)

Gene: RET. ClinVar aggregate classification (germline): Pathogenic. Pathogenic (13).

Submissions 8 to 18 of 18:

Myriad Genetics, Inc.
Classification: Pathogenic for Multiple endocrine neoplasia type 2A. Last evaluated: 2023-04-18. Review status: criteria provided, single submitter. Criteria: Myriad Autosomal Dominant, Autosomal Recessive and X-Linked Classification Criteria (2023). Collection method: clinical testing. Allele origin: unknown.
Comment: This variant is considered pathogenic. Functional studies indicate this variant impacts protein function [PMID: 9230192]. This variant has been reported in multiple individuals with clinical features of gene-specific disease [PMID: 7716719, 33754314, 31471357, 20979234, 22068382, 25810047].

GeneDx
Classification: Pathogenic. Last evaluated: 2020-07-27. Review status: criteria provided, single submitter. Criteria: GeneDx Variant Classification Process June 2021. Collection method: clinical testing. Allele origin: germline. Affected: yes.
Comment: Not observed in large population cohorts (Lek 2016); In silico analysis supports that this missense variant has a deleterious effect on protein structure/function; This variant is associated with the following publications: (PMID: 17895320, 29433789, 29590403, 29656518, 30273935, 7915165, 8557249, 9003111, 20979234, 26254625, 26758973, 18063059, 9384613, 28647780, 28729773, 28946813, 31510104, 30911297, 29396759)

Quest Diagnostics Nichols Institute San Juan Capistrano
Classification: Pathogenic. Last evaluated: 2020-07-10. Review status: criteria provided, single submitter. Criteria: Quest Diagnostics criteria. Collection method: clinical testing. Allele origin: unknown.
Comment: This variant (also known as Cys364Ser) has not been reported in large, multi-ethnic general populations. This variant is located at one of the hotspots associated with FMTC and MEN2A, and has been reported as deleterious in multiple families/individuals with FMTC and MEN2A in the published literature (PMIDs: 7915165 (1994), 9230192 (1997), 9384613 (1998), 9839497 (1998), 25694125 (2015)). Based on the available information, this variant is classified as pathogenic.

Blueprint Genetics
Classification: Pathogenic for RET-related disorders. Last evaluated: 2020-07-02. Review status: criteria provided, single submitter. Criteria: ACMG Guidelines, 2015. Collection method: clinical testing. Allele origin: germline. Affected: yes. Observed: 1 variant allele.

Eurofins Ntd Llc (ga)
Classification: Pathogenic. Last evaluated: 2017-04-27. Review status: criteria provided, single submitter. Criteria: EGL Classification Definitions. Collection method: clinical testing. Allele origin: germline. Observed: 6 variant alleles, 6 heterozygotes.

Clinical Genetics and Genomics, Karolinska University Hospital
Classification: Pathogenic. Last evaluated: 2017-01-13. Review status: criteria provided, single submitter. Criteria: ACMG Guidelines, 2015. Collection method: clinical testing. Allele origin: germline. Affected: yes. Observed: 1 variant allele.

Counsyl
Classification: Pathogenic for Multiple endocrine neoplasia type 2A. Last evaluated: 2017-04-10. Review status: no assertion criteria provided. Collection method: clinical testing. Allele origin: unknown. Not counted in ClinVar's aggregate classification.

OMIM
Classification: Pathogenic for MULTIPLE ENDOCRINE NEOPLASIA, TYPE IIA. Last evaluated: 1994-04-01. Review status: no assertion criteria provided. Collection method: literature only. Allele origin: germline. Not counted in ClinVar's aggregate classification.

OMIM
Classification: Pathogenic for THYROID CARCINOMA, FAMILIAL MEDULLARY. Last evaluated: 1994-04-01. Review status: no assertion criteria provided. Collection method: literature only. Allele origin: germline. Not counted in ClinVar's aggregate classification.

Genome Diagnostics Laboratory, University Medical Center Utrecht
Classification: Pathogenic. Review status: no assertion criteria provided. Collection method: clinical testing. Allele origin: germline. Affected: yes. Study: VKGL Data-share Consensus. Not counted in ClinVar's aggregate classification.

Joint Genome Diagnostic Labs from Nijmegen and Maastricht, Radboudumc and MUMC+
Classification: Pathogenic. Review status: no assertion criteria provided. Collection method: clinical testing. Allele origin: germline. Affected: yes. Study: VKGL Data-share Consensus. Not counted in ClinVar's aggregate classification.

Literature cited by the submitters: PubMed 17895320 (cited by Ambry Genetics); PubMed 20979234 (cited by 7 submitters); PubMed 25810047 (cited by 4 submitters); PubMed 8557249 (cited by Ambry Genetics and All of Us Research Program, National Institutes of Health); PubMed 7915165 (cited by 5 submitters); PubMed 9384613 (cited by 3 submitters); PubMed 9498388 (cited by Labcorp Genetics (formerly Invitae), Labcorp and All of Us Research Program, National Institutes of Health); PubMed 9839497 (cited by Labcorp Genetics (formerly Invitae), Labcorp and Quest Diagnostics Nichols Institute San Juan Capistrano); PubMed 22068382 (cited by 4 submitters); PubMed 9230192 (cited by 4 submitters); PubMed 8099202 (cited by Labcorp Genetics (formerly Invitae), Labcorp); PubMed 25628771 (cited by Labcorp Genetics (formerly Invitae), Labcorp); PubMed 23210566 (cited by Center for Genomic Medicine, Rigshospitalet, Copenhagen University Hospital and Quest Diagnostics Nichols Institute San Juan Capistrano); PubMed 31471357 (cited by All of Us Research Program, National Institutes of Health and Myriad Genetics, Inc.); PubMed 7716719 (cited by Myriad Genetics, Inc.); PubMed 33754314 (cited by Myriad Genetics, Inc.); PubMed 18063059 (cited by Quest Diagnostics Nichols Institute San Juan Capistrano); PubMed 25694125 (cited by Quest Diagnostics Nichols Institute San Juan Capistrano); PubMed 26254625 (cited by Quest Diagnostics Nichols Institute San Juan Capistrano); PubMed 14718397 (cited by Counsyl).